The following is an entry in ClinVar:

NM_005733.3(KIF20A):c.1893G>C (p.Glu631Asp)

Gene: KIF20A (kinesin family member 20A; plus strand). Cytogenetic location: 5q31.2.
Variant type: single nucleotide variant.
Coding change: c.1893G>C on transcript NM_005733.3 (MANE Select); coding-DNA position 1893, G replaced by C.
Protein change: p.Glu631Asp; replaces glutamic acid 631 with aspartic acid.
Molecular consequence: missense variant.
Genome position (GRCh38, 1-based): chr5:138,185,164, G>C. VCF-style: chr5-138185164-G-C. GRCh37 (hg19) VCF-style: chr5-137520853-G-C.
Other names: short protein forms E631D.
Identifiers: ClinVar variation 2048936 (VCV002048936.4), dbSNP rs550103120, ClinGen allele CA128186713.

ClinVar aggregate classification (germline): Uncertain significance (1 of 4 stars; one submission).

Allele frequency attached by ClinVar (database versions not stated): gnomAD exomes 0.00001; TOPMed 0.00001; gnomAD 0.00003.
gnomAD v4.1: 20 of 1,613,740 alleles (0.0012%); highest among the groups gnomAD compares: Non-Finnish European, 0.001%; no homozygotes.

Submission:

Labcorp Genetics (formerly Invitae), Labcorp
Classification: Uncertain significance. Last evaluated: 2021-12-19. Review status: criteria provided, single submitter. Criteria: Invitae Variant Classification Sherloc (09022015). Collection method: clinical testing. Allele origin: germline.
Comment: This variant has not been reported in the literature in individuals affected with KIF20A-related conditions. This variant is present in population databases (rs550103120, gnomAD 0.0009%). This sequence change replaces glutamic acid, which is acidic and polar, with aspartic acid, which is acidic and polar, at codon 631 of the KIF20A protein (p.Glu631Asp). Algorithms developed to predict the effect of missense changes on protein structure and function are either unavailable or do not agree on the potential impact of this missense change (SIFT: "Deleterious"; PolyPhen-2: "Possibly Damaging"; Align-GVGD: "Class C0"). In summary, the available evidence is currently insufficient to determine the role of this variant in disease. Therefore, it has been classified as a Variant of Uncertain Significance.